The following is an entry in ClinVar:

NM_006623.4(PHGDH):c.933del (p.Leu312fs)

Gene: PHGDH (phosphoglycerate dehydrogenase; plus strand). Cytogenetic location: 1p12.
Variant type: Deletion.
Coding change: c.933del on transcript NM_006623.4 (MANE Select); coding-DNA position 933, one base deleted (T; older notation c.933delT).
Protein change: p.Leu312fs; shifts the reading frame from leucine 312.
Molecular consequence: frameshift variant.
Genome position (GRCh38, 1-based): chr1:119,737,254, T deleted. VCF-style (leftmost placement, unchanged base first): chr1-119737253-CT-C. GRCh37 (hg19) VCF-style: chr1-120279876-CT-C.
Other names: short protein forms L312fs.
Identifiers: ClinVar variation 4815522 (VCV004815522.1).
Genomic context (GRCh38, chr1:119,737,253, plus strand): 5'-CTCAGAGCCGCTGTGGGGAGGAAATTGCTGTTCAGTTCGTGGACATGGTGAAGGGGAAAT[CT>C]CTCACGGGGGTTGTAAGTATCACCACCTGGGGCTGGGGGCCAGGAGTCAGAGGGAGGAGA-3'

ClinVar aggregate classification (germline): Likely pathogenic (1 of 4 stars; one submission).

Conditions:
PHGDH deficiency. Identifiers: Orphanet 79351, MedGen C1866174, MONDO:0011152, OMIM 601815.

Submission:

Natera, Inc.
Classification: Likely pathogenic for Phosphoglycerate dehydrogenase deficiency. Last evaluated: 2025-10-22. Review status: criteria provided, single submitter. Criteria: Natera Variant Classification Schema (03/2026). Collection method: clinical testing. Allele origin: germline.
Comment: The c.933del variant in PHGDH is a frameshift variant predicted to shift the reading frame beginning at codon 312 and leads to a stop codon 5 codons downstream. This variant is expected to result in nonsense mediated decay, truncation, or a dysfunctional protein product. This variant is rare in the general population with a frequency below the threshold expected for the associated phenotype(s). Given the available evidence, this variant is classified as Likely Pathogenic.